The following is an entry in ClinVar:

ClinVar aggregate classification (germline): Pathogenic/Likely pathogenic. Review status: criteria provided, multiple submitters, no conflicts (2 of 4 stars). 7 submissions from 7 submitters: Pathogenic (4); Likely pathogenic (2). 1 of the submissions does not count toward it. Last evaluated 2025-11-15.

Conditions:
Joubert syndrome 9 (JBTS9). Identifiers: Orphanet 2318, MedGen C2676788, MONDO:0012849, OMIM 612285.
COACH syndrome 2. Identifiers: MedGen C5436837, MONDO:0030859, OMIM 619111.
Meckel syndrome, type 6. Identifiers: Orphanet 564, MedGen C2676790, MONDO:0012848, OMIM 612284.
Retinitis pigmentosa 93. Identifiers: MedGen C5676970, MONDO:0030797, OMIM 619845.
CC2D2A-related disorder. Also called: CC2D2A-related disorders; CC2D2A-related condition. Identifiers: MedGen CN239313.
Joubert syndrome. Also called: Familial aplasia of the vermis; JOUBERT-BOLTSHAUSER SYNDROME. Identifiers: Orphanet 475, MedGen C5979921, MONDO:0018772.
Meckel-Gruber syndrome. Also called: Dysencephalia splachnocystica; DYSENCEPHALIA SPLANCHNOCYSTICA; GRUBER SYNDROME. Identifiers: Orphanet 564, MedGen C0265215, MONDO:0018921.

Allele frequency attached by ClinVar (database versions not stated): gnomAD 0.00001 and 0.00002; gnomAD exomes 0.00002 and 0.00003; TOPMed 0.00002; ExAC 0.00003.
gnomAD v4.1: 39 of 1,435,906 alleles (0.0027%); highest among the groups gnomAD compares: East Asian, 0.007%; no homozygotes.

Submissions (7):

Labcorp Genetics (formerly Invitae), Labcorp
Classification: Pathogenic for Joubert syndrome; Meckel-Gruber syndrome. Last evaluated: 2025-11-15. Review status: criteria provided, single submitter. Criteria: Invitae Variant Classification Sherloc (09022015). Collection method: clinical testing. Allele origin: germline.
Comment: This sequence change replaces glutamic acid, which is acidic and polar, with valine, which is neutral and non-polar, at codon 1000 of the CC2D2A protein (p.Glu1000Val). This variant is present in population databases (rs773881370, gnomAD 0.003%). This missense change has been observed in individual(s) with Joubert syndrome (PMID: 26310553). In at least one individual the data is consistent with being in trans (on the opposite chromosome) from a pathogenic variant. It has also been observed to segregate with disease in related individuals. ClinVar contains an entry for this variant (Variation ID: 217604). Invitae Evidence Modeling of protein sequence and biophysical properties (such as structural, functional, and spatial information, amino acid conservation, physicochemical variation, residue mobility, and thermodynamic stability) indicates that this missense variant is not expected to disrupt CC2D2A protein function with a negative predictive value of 80%. Algorithms developed to predict the effect of sequence changes on RNA splicing suggest that this variant may disrupt the consensus splice site. For these reasons, this variant has been classified as Pathogenic.

3billion
Classification: Likely pathogenic for Joubert syndrome 9. Last evaluated: 2025-11-05. Review status: criteria provided, single submitter. Criteria: ACMG Guidelines, 2015. Collection method: clinical testing. Allele origin: germline. Affected: yes.
Comment: The variant is observed at an extremely low frequency in the gnomAD v4.1.0 dataset (total allele frequency: 0.003%). Predicted Consequence/Location: Missense variant The same nucleotide change resulting in the same amino acid change has been previously reported as pathogenic/likely pathogenic with strong evidence (ClinVar ID: VCV000217604). Therefore, this variant is classified as Likely pathogenic according to the recommendation of ACMG/AMP guideline.

Fulgent Genetics
Classification: Likely pathogenic for Meckel syndrome, type 6; Joubert syndrome 9; COACH syndrome 2; Retinitis pigmentosa 93. Last evaluated: 2024-03-19. Review status: criteria provided, single submitter. Criteria: ACMG Guidelines, 2015. Collection method: clinical testing. Allele origin: germline.

Blueprint Genetics
Classification: Pathogenic for CC2D2A-related disorders. Last evaluated: 2021-07-20. Review status: criteria provided, single submitter. Criteria: ACMG Guidelines, 2015. Collection method: clinical testing. Allele origin: germline. Affected: yes. Observed: 5 variant alleles.

UW Hindbrain Malformation Research Program, University of Washington
Classification: Pathogenic for Joubert syndrome 9. Last evaluated: 2015-02-23. Review status: criteria provided, single submitter. Criteria: Bachmann-Gagescu et al. (J Med Genet. 2015). Collection method: research. Allele origin: unknown. Affected: yes.

Juno Genomics, Hangzhou Juno Genomics, Inc
Classification: Pathogenic for COACH syndrome 2; Joubert syndrome 9; Meckel syndrome, type 6; Retinitis pigmentosa 93. Review status: criteria provided, single submitter. Criteria: ACMG Guidelines, 2015. Collection method: clinical testing. Allele origin: germline. Affected: yes.
Comment: Absent from controls (or at extremely low frequency if recessive) in Genome Aggregation Database, Exome Sequencing Project, 1000 Genomes Project, or Exome Aggregation Consortium.;For recessive disorders, detected in trans with a pathogenic variant.;Co-segregation with disease in multiple affected family members in a gene definitively known to cause the disease.

Centre for Mendelian Genomics, University Medical Centre Ljubljana
Classification: Uncertain significance for Joubert syndrome 9. Last evaluated: 2018-10-30. Review status: flagged submission. Criteria: ACMG Guidelines, 2015. Collection method: clinical testing. Allele origin: unknown. Affected: yes. Not counted in ClinVar's aggregate classification.
Comment: This variant was classified as: Uncertain significance. The available evidence on this variant's pathogenicity is insufficient or conflicting. The following ACMG criteria were applied in classifying this variant: PM2,PP5.
ClinVar note: Reason: Claim with insufficient supporting evidence

Literature cited by the submitters: PubMed 26310553 (cited by Labcorp Genetics (formerly Invitae), Labcorp).

NM_001378615.1(CC2D2A):c.2999A>T (p.Glu1000Val)

Genes: FBXL5 (F-box and leucine rich repeat protein 5; minus strand), CC2D2A (coiled-coil and C2 domain containing 2A; plus strand). Cytogenetic location: 4p15.32.
Variant type: single nucleotide variant.
Coding change: c.2999A>T on transcript NM_001378615.1 (MANE Select); coding-DNA position 2999, A replaced by T.
Protein change: p.Glu1000Val; replaces glutamic acid 1000 with valine.
Molecular consequence: missense variant.
Genome position (GRCh38, 1-based): chr4:15,560,607, A>T. VCF-style: chr4-15560607-A-T. GRCh37 (hg19) VCF-style: chr4-15562230-A-T.
Other names: c.2999A>T, p.Glu1000Val (NM_001080522.2); c.2852A>T, p.Glu951Val (NM_001378617.1); short protein forms E1000V, E951V.
Identifiers: ClinVar variation 217604 (VCV000217604.16), dbSNP rs773881370, ClinGen allele CA210338.
Genomic context (GRCh38, chr4:15,560,607, plus strand): 5'-TAAATCGTTTCTTAATTGCAAAACAATATTTTCTTCTTGCTGATATGATAGTAGAAGAAG[A>T]AGTTCCCAATATCAGGTAAAAATAATCAAAGCCATTATTATCAATTCTTATAAAAATTAT-3'
Protein context (NP_001365544.1, residues 990-1010): FLLADMIVEE[Glu1000Val]VPNISILGLS